The following is an entry in ClinVar:

ClinVar aggregate classification (germline): Uncertain significance (1 of 4 stars; one submission).

Conditions:
Epilepsy, idiopathic generalized, susceptibility to, 10. Identifiers: MedGen C2751603, MONDO:0013103, OMIM 613060.

Allele frequency attached by ClinVar (database versions not stated): gnomAD 0.00001; TOPMed 0.00001.
gnomAD v4.1: 2 of 1,543,646 alleles (0.00013%); highest among the groups gnomAD compares: African/African-American, 0.0027%; no homozygotes.

Submission:

Johns Hopkins Genomics, Johns Hopkins University
Classification: Uncertain significance for Epilepsy, idiopathic generalized, susceptibility to, 10. Last evaluated: 2020-09-21. Review status: criteria provided, single submitter. Criteria: ACMG Guidelines, 2015. Collection method: clinical testing. Allele origin: germline.
Comment: This GABRD variant is absent from a large population dataset, and has not been reported in the literature to our knowledge. Two bioinformatics tools queried predict that this substitution would be tolerated, while another predicts it would be damaging. The serine residue at this position is strongly conserved across the species assessed. This variant is not predicted to affect normal exon 7 splicing, although this has not been confirmed experimentally to our knowledge. Due to insufficient evidence, we consider the clinical significance of c.713G>C to be uncertain at this time.

Literature cited by the submitters: PubMed 15115768; PubMed 25194483.

NM_000815.5(GABRD):c.713G>C (p.Ser238Thr)

Gene: GABRD (gamma-aminobutyric acid type A receptor subunit delta; plus strand). Cytogenetic location: 1p36.33.
Variant type: single nucleotide variant.
Coding change: c.713G>C on transcript NM_000815.5 (MANE Select); coding-DNA position 713, G replaced by C.
Protein change: p.Ser238Thr; replaces serine 238 with threonine.
Molecular consequence: missense variant.
Genome position (GRCh38, 1-based): chr1:2,029,132, G>C. VCF-style: chr1-2029132-G-C. GRCh37 (hg19) VCF-style: chr1-1960571-G-C.
Other names: short protein forms S238T.
Identifiers: ClinVar variation 981525 (VCV000981525.1), dbSNP rs1484812847, ClinGen allele CA337958944.